The following is an entry in ClinVar:

ClinVar aggregate classification (germline): Uncertain significance. Review status: criteria provided, multiple submitters, no conflicts (2 of 4 stars). 2 submissions from 2 submitters: Uncertain significance (2). Last evaluated 2024-11-30.

Conditions:
Hereditary cancer-predisposing syndrome. Also called: Neoplastic Syndromes, Hereditary; Hereditary Cancer Syndrome; Tumor predisposition; Hereditary neoplastic syndrome. Identifiers: Orphanet 140162, MedGen C0027672, MeSH D009386, MONDO:0015356.
Familial cancer of breast. Also called: hereditary breast carcinoma; Hereditary breast cancer; BREAST CANCER, FAMILIAL. Identifiers: Orphanet 227535, MedGen C0346153, MONDO:0016419, OMIM 114480. Disease mechanism: loss of function.
Fanconi anemia complementation group J. Also called: BRIP1-Related Fanconi Anemia. Identifiers: Orphanet 84, MedGen C1836860, MONDO:0012187, OMIM 609054.

Allele frequency attached by ClinVar (database versions not stated): gnomAD 0.00001.
gnomAD v4.1: 1 of 1,613,260 alleles (0.000062%); highest among the groups gnomAD compares: Non-Finnish European, 0.000085%; no homozygotes.

Submissions (2):

Ambry Genetics
Classification: Uncertain significance for Hereditary cancer-predisposing syndrome. Last evaluated: 2024-11-30. Review status: criteria provided, single submitter. Criteria: Ambry Variant Classification Scheme 2023. Collection method: clinical testing. Allele origin: germline.
Comment: The p.P18L variant (also known as c.53C>T), located in coding exon 1 of the BRIP1 gene, results from a C to T substitution at nucleotide position 53. The proline at codon 18 is replaced by leucine, an amino acid with similar properties. This amino acid position is conserved. In addition, this alteration is predicted to be deleterious by in silico analysis. Based on the available evidence, the clinical significance of this variant remains unclear.

Labcorp Genetics (formerly Invitae), Labcorp
Classification: Uncertain significance for Familial cancer of breast; Fanconi anemia complementation group J. Last evaluated: 2021-03-03. Review status: criteria provided, single submitter. Criteria: Invitae Variant Classification Sherloc (09022015). Collection method: clinical testing. Allele origin: germline.
Comment: In summary, the available evidence is currently insufficient to determine the role of this variant in disease. Therefore, it has been classified as a Variant of Uncertain Significance. Algorithms developed to predict the effect of missense changes on protein structure and function (SIFT, PolyPhen-2, Align-GVGD) all suggest that this variant is likely to be disruptive, but these predictions have not been confirmed by published functional studies and their clinical significance is uncertain. This variant has not been reported in the literature in individuals with BRIP1-related conditions. This variant is not present in population databases (ExAC no frequency). This sequence change replaces proline with leucine at codon 18 of the BRIP1 protein (p.Pro18Leu). The proline residue is highly conserved and there is a moderate physicochemical difference between proline and leucine.

NM_032043.3(BRIP1):c.53C>T (p.Pro18Leu)

Gene: BRIP1 (BRCA1 interacting DNA helicase 1; minus strand). Cytogenetic location: 17q23.2.
Variant type: single nucleotide variant.
Coding change: c.53C>T on transcript NM_032043.3 (MANE Select); coding-DNA position 53, C replaced by T.
Protein change: p.Pro18Leu; replaces proline 18 with leucine.
Molecular consequence: missense variant.
Genome position (GRCh38, 1-based): chr17:61,861,487, G>A on the plus strand (C>T on the coding strand, the complement: BRIP1 is on the minus strand). VCF-style: chr17-61861487-G-A. GRCh37 (hg19) VCF-style: chr17-59938848-G-A.
Other names: c.53C>T (NM_032043.2); short protein forms P18L.
Identifiers: ClinVar variation 1508467 (VCV001508467.10), dbSNP rs1415589484, ClinGen allele CA400485985.
Genomic context (GRCh38, chr17:61,861,487, plus strand): 5'-AACTGCTGAAAAATACTTACAGAATTCATCATAGCAAGCTGTGACGGGTAAGCTTTATAA[G>A]GAAAGTAAATCTTCACCCCACCAATTGTATATTCAGACCACATTGAAGACATAGTGCTTT-3'
Protein context (NP_114432.2, residues 8-28): YTIGGVKIYF[Pro18Leu]YKAYPSQLAM